The following is an entry in ClinVar:

NM_002456.6(MUC1):c.151_159+5del

Gene: MUC1 (mucin 1, cell surface associated; minus strand). Cytogenetic location: 1q22.
Variant type: Deletion.
Coding change: c.151_159+5del on transcript NM_002456.6; coding-DNA position 151 through 5 bases into the intron after coding-DNA position 159, 14 bases deleted (AAGAATGCTGTGAG).
Molecular consequence: splice donor variant. On other transcripts: frameshift variant (3).
Genome position (GRCh38, 1-based): chr1:155,192,178-155,192,191, CTCACAGCATTCTT deleted on the plus strand (AAGAATGCTGTGAG on the coding strand, the reverse complement: MUC1 is on the minus strand); deleting any 14 consecutive bases within chr1:155,192,178-155,192,195 gives the same sequence; the c. name uses the placement nearest the transcript's 3' end. VCF-style (leftmost placement, unchanged base first): chr1-155192177-ACTCACAGCATTCTT-A. GRCh37 (hg19) VCF-style: chr1-155161968-ACTCACAGCATTCTT-A.
Other names: c.151_164del, p.Lys51fs (NM_001204285.2); c.178_191del, p.Lys60fs (NM_001204286.1, NM_001371720.2); c.178_186+5del (NM_001204291.1, NM_001204292.1, NM_001204295.1 and 7 more transcripts); c.115_123+5del (NM_001204290.2); c.151_159+5del (NM_001204294.2, NM_001044393.3, NM_001044390.3 and 3 more transcripts); short protein forms K51fs, K60fs.
Identifiers: ClinVar variation 2630759 (VCV002630759.1), dbSNP rs2527050921, ClinGen allele CA2695199891.

ClinVar aggregate classification (germline): Uncertain significance (1 of 4 stars; one submission).

Conditions:
MUC1-related disorder. Also called: MUC1-related condition.

Submission:

PreventionGenetics, part of Exact Sciences
Classification: Uncertain significance for MUC1-related condition. Last evaluated: 2023-09-20. Review status: criteria provided, single submitter. Criteria: ACMG Guidelines, 2015. Collection method: clinical testing. Allele origin: germline.
Comment: The MUC1 c.151_159+5del14 variant is predicted to result in a deletion affecting a canonical splice site. This variant removes the consensus donor splice site. To our knowledge, this variant has not been reported in the literature or in a large population database, indicating this variant is rare. This variant falls within a highly paralogous region. Allele frequency data should be interpreted with caution. At this time, the clinical significance of this variant is uncertain due to the absence of conclusive functional and genetic evidence.